The following is an entry in ClinVar:

ClinVar aggregate classification (germline): Pathogenic. Review status: reviewed by expert panel (3 of 4 stars). 5 submissions from 5 submitters: Pathogenic (1). 4 of the submissions do not count toward it. Last evaluated 2017-12-15.

Conditions:
Hereditary cancer-predisposing syndrome. Also called: Hereditary Cancer Syndrome; Neoplastic Syndromes, Hereditary; Tumor predisposition; Hereditary neoplastic syndrome. Identifiers: Orphanet 140162, MedGen C0027672, MeSH D009386, MONDO:0015356.
Breast-ovarian cancer, familial, susceptibility to, 2 (BROVCA2). Also called: BRCA2 Hereditary Breast and Ovarian Cancer. Identifiers: Orphanet 145, MedGen C2675520, MONDO:0012933, OMIM 612555. Disease mechanism: loss of function.
Hereditary breast ovarian cancer syndrome. Also called: Hereditary breast and/or ovarian cancer syndrome; BRCA1- and BRCA2-Associated Hereditary Breast and Ovarian Cancer; Hereditary breast and ovarian cancer syndrome (HBOC); Hereditary breast and ovarian cancer; Hereditary breast and ovarian cancer syndrome; Breast and ovarian cancer. Identifiers: Orphanet 145, MedGen C0677776, MeSH D061325, MONDO:0003582. Disease mechanism: loss of function.

Submissions (5):

Evidence-based Network for the Interpretation of Germline Mutant Alleles (ENIGMA)
Classification: Pathogenic for Breast-ovarian cancer, familial, susceptibility to, 2. Last evaluated: 2017-12-15. Review status: reviewed by expert panel. Criteria: ENIGMA BRCA1/2 Classification Criteria (2017-06-29). Collection method: curation. Allele origin: germline. Study: ENIGMA.
Comment: Variant allele predicted to encode a truncated non-functional protein.

Neuberg Centre For Genomic Medicine, NCGM
Classification: Pathogenic for Breast-ovarian cancer, familial, susceptibility to, 2. Last evaluated: 2023-06-22. Review status: criteria provided, single submitter. Criteria: ACMG Guidelines, 2015. Collection method: clinical testing. Allele origin: germline. Inheritance: Autosomal dominant inheritance. Affected: yes. Not counted in ClinVar's aggregate classification.
Comment: The observed frameshift c.3636_3639del(p.Asn1212LysfsTer15) variant in BRCA2 gene has not been reported previously as a pathogenic variant nor a benign variant, to our knowledge. The p.Asn1212LysfsTer15 variant is absent in gnomAD Exomes. This variant has been reported to the ClinVar database as Pathogenic (multiple submissions). This variant deletes 4 nucleotides in exon 11 of the BRCA2 gene. This variant causes a frameshift starting with codon Asparagine 1212, changes this amino acid to Lysine residue, and creates a premature Stop codon at position 15 of the new reading frame, denoted p.Asn1212LysfsTer15. This variant is predicted to cause loss of normal protein function through protein truncation. Loss of function variants have been previously reported to be disease causing. For these reasons, this variant has been classified as Pathogenic.

Labcorp Genetics (formerly Invitae), Labcorp
Classification: Pathogenic for Hereditary breast ovarian cancer syndrome. Last evaluated: 2020-09-01. Review status: criteria provided, single submitter. Criteria: Invitae Variant Classification Sherloc (09022015). Collection method: clinical testing. Allele origin: germline. Not counted in ClinVar's aggregate classification.
Comment: This variant is not present in population databases (ExAC no frequency). For these reasons, this variant has been classified as Pathogenic. Loss-of-function variants in BRCA2 are known to be pathogenic (PMID: 20104584). This variant has not been reported in the literature in individuals with BRCA2-related conditions. ClinVar contains an entry for this variant (Variation ID: 232261). This sequence change creates a premature translational stop signal (p.Asn1212Lysfs*15) in the BRCA2 gene. It is expected to result in an absent or disrupted protein product.

Color Diagnostics, LLC DBA Color Health
Classification: Pathogenic for Hereditary cancer-predisposing syndrome. Last evaluated: 2020-01-14. Review status: criteria provided, single submitter. Criteria: ACMG Guidelines, 2015. Collection method: clinical testing. Allele origin: germline. Not counted in ClinVar's aggregate classification.
Comment: This variant deletes 4 nucleotides in exon 11 of the BRCA2 gene, creating a frameshift and premature translation stop signal. This variant is expected to result in an absent or non-functional protein product. To our knowledge, this variant has not been reported in individuals affected with hereditary cancer in the literature. This variant has not been identified in the general population by the Genome Aggregation Database (gnomAD). Loss of BRCA2 function is a known mechanism of disease. Based on the available evidence, this variant is classified as Pathogenic.

Ambry Genetics
Classification: Pathogenic for Hereditary cancer-predisposing syndrome. Last evaluated: 2015-06-04. Review status: criteria provided, single submitter. Criteria: Ambry Variant Classification Scheme 2023. Collection method: clinical testing. Allele origin: germline. Not counted in ClinVar's aggregate classification.
Comment: The c.3636_3639delTGAA pathogenic mutation (also known as 3864del4), located in coding exon 10 of the BRCA2 gene, results from a deletion of 4 nucleotides between nucleotide positions 3636 and 3639, causing a translational frameshift with a predicted alternate stop codon. Since frameshifts are typically deleterious in nature, this alteration is interpreted as a disease-causing mutation (ACMG Recommendations for Standards for Interpretation and Reporting of Sequence Variations. Revision 2007. Genet Med. 2008;10:294).

Literature cited by the submitters: PubMed 20104584 (cited by Labcorp Genetics (formerly Invitae), Labcorp).

NM_000059.4(BRCA2):c.3636_3639del (p.Asn1212fs)

Gene: BRCA2 (BRCA2 DNA repair associated; plus strand). Cytogenetic location: 13q13.1.
Variant type: Deletion.
Coding change: c.3636_3639del on transcript NM_000059.4 (MANE Select); coding-DNA positions 3636 to 3639, 4 bases deleted (TGAA; older notation c.3636_3639delTGAA).
Protein change: p.Asn1212fs; shifts the reading frame from asparagine 1212.
Molecular consequence: frameshift variant.
Genome position (GRCh38, 1-based): chr13:32,337,991-32,337,994, TGAA deleted; deleting any 4 consecutive bases within chr13:32,337,989-32,337,994 gives the same sequence; the c. name uses the placement nearest the transcript's 3' end. VCF-style (leftmost placement, unchanged base first): chr13-32337988-AAATG-A. GRCh37 (hg19) VCF-style: chr13-32912125-AAATG-A.
Other names: c.3636_3639delTGAA (NM_000059.3); short protein forms N1212fs.
Identifiers: ClinVar variation 232261 (VCV000232261.16), dbSNP rs876659656, ClinGen allele CA10579583.